The following is an entry in ClinVar:

ClinVar aggregate classification (germline): Uncertain significance (1 of 4 stars; one submission).

Conditions:
Surfactant metabolism dysfunction, pulmonary, 4 (SMDP4). Also called: CSF2RA DEFICIENCY; PAP DUE TO CSF2RA DEFICIENCY; PULMONARY ALVEOLAR PROTEINOSIS, CONGENITAL, 4. Identifiers: Orphanet 264675, MedGen C2677877, MONDO:0010424, OMIM 300770.

gnomAD v4.1: 28 of 1,613,302 alleles (0.0017%); highest among the groups gnomAD compares: Middle Eastern, 0.033%; no homozygotes.

Submission:

Labcorp Genetics (formerly Invitae), Labcorp
Classification: Uncertain significance for Surfactant metabolism dysfunction, pulmonary, 4. Last evaluated: 2022-03-12. Review status: criteria provided, single submitter. Criteria: Invitae Variant Classification Sherloc (09022015). Collection method: clinical testing. Allele origin: germline.
Comment: This sequence change replaces glutamine, which is neutral and polar, with histidine, which is basic and polar, at codon 149 of the CSF2RA protein (p.Gln149His). The frequency data for this variant in the population databases is considered unreliable, as metrics indicate poor data quality at this position in the gnomAD database. This variant has not been reported in the literature in individuals affected with CSF2RA-related conditions. Algorithms developed to predict the effect of missense changes on protein structure and function are either unavailable or do not agree on the potential impact of this missense change (SIFT: "Deleterious"; PolyPhen-2: "Not Available"; Align-GVGD: "Class C0"). In summary, the available evidence is currently insufficient to determine the role of this variant in disease. Therefore, it has been classified as a Variant of Uncertain Significance.

NM_172245.4(CSF2RA):c.447G>C (p.Gln149His)

Gene: CSF2RA (colony stimulating factor 2 receptor subunit alpha; plus strand). Cytogenetic location: Xp22.33.
Variant type: single nucleotide variant.
Coding change: c.447G>C on transcript NM_172245.4 (MANE Select); coding-DNA position 447, G replaced by C.
Protein change: p.Gln149His; replaces glutamine 149 with histidine.
Molecular consequence: missense variant. On other transcripts: non-coding transcript variant (1).
Genome position (GRCh38, 1-based): chrX:1,288,862, G>C. VCF-style: chrX-1288862-G-C. GRCh37 (hg19) VCF-style: chrX-1407755-G-C.
Other names: c.447G>C, p.Gln149His (NM_001161529.2, NM_001161530.2, NM_001161531.2 and 21 more transcripts); c.48G>C, p.Gln16His (NM_001161532.2); short protein forms Q149H, Q16H.
Identifiers: ClinVar variation 2062626 (VCV002062626.1), dbSNP rs140998163, ClinGen allele CA10330816.
Genomic context (GRCh38, chrX:1,288,862, plus strand): 5'-CAATGCGGATTTAATGAACTGTACCTGGGCGAGGGGTCCGACGGCCCCCCGTGACGTCCA[G>C]TATTTTTTGTACATACGAAACTCAAAGTAAGTGTTCACCTCATGTGAAGAATTATGAGGA-3'
Protein context (NP_758448.1, residues 139-159): ARGPTAPRDV[Gln149His]YFLYIRNSKR